The following is an entry in ClinVar:

ClinVar aggregate classification (germline): Uncertain significance (1 of 4 stars; one submission).

gnomAD v4.1: 33 of 1,613,418 alleles (0.002%); highest among the groups gnomAD compares: Middle Eastern, 0.033%; no homozygotes.

Submission:

Labcorp Genetics (formerly Invitae), Labcorp
Classification: Uncertain significance. Last evaluated: 2024-06-25. Review status: criteria provided, single submitter. Criteria: Invitae Variant Classification Sherloc (09022015). Collection method: clinical testing. Allele origin: germline.
Comment: This sequence change replaces glutamic acid, which is acidic and polar, with lysine, which is basic and polar, at codon 328 of the ENPP1 protein (p.Glu328Lys). This variant is present in population databases (rs750938306, gnomAD 0.02%). This variant has not been reported in the literature in individuals affected with ENPP1-related conditions. Algorithms developed to predict the effect of missense changes on protein structure and function output the following: SIFT: "Not Available"; PolyPhen-2: "Benign"; Align-GVGD: "Not Available". The lysine amino acid residue is found in multiple mammalian species, which suggests that this missense change does not adversely affect protein function. In summary, the available evidence is currently insufficient to determine the role of this variant in disease. Therefore, it has been classified as a Variant of Uncertain Significance.

NM_006208.3(ENPP1):c.982G>A (p.Glu328Lys)

Gene: ENPP1 (ectonucleotide pyrophosphatase/phosphodiesterase 1; plus strand). Cytogenetic location: 6q23.2.
Variant type: single nucleotide variant.
Coding change: c.982G>A on transcript NM_006208.3 (MANE Select); coding-DNA position 982, G replaced by A.
Protein change: p.Glu328Lys; replaces glutamic acid 328 with lysine.
Molecular consequence: missense variant.
Genome position (GRCh38, 1-based): chr6:131,861,661, G>A. VCF-style: chr6-131861661-G-A. GRCh37 (hg19) VCF-style: chr6-132182801-G-A.
Other names: short protein forms E328K.
Identifiers: ClinVar variation 3713085 (VCV003713085.2).